The following is an entry in ClinVar:

NM_022124.6(CDH23):c.556del (p.Ile186fs)

Gene: CDH23 (cadherin related 23; plus strand). Cytogenetic location: 10q22.1.
Variant type: Deletion.
Coding change: c.556del on transcript NM_022124.6 (MANE Select); coding-DNA position 556, one base deleted (A; older notation c.556delA).
Protein change: p.Ile186fs; shifts the reading frame from isoleucine 186.
Molecular consequence: frameshift variant.
Genome position (GRCh38, 1-based): chr10:71,566,868, A deleted. VCF-style (leftmost placement, unchanged base first): chr10-71566867-TA-T. GRCh37 (hg19) VCF-style: chr10-73326624-TA-T.
Other names: c.556del, p.Ile186fs (NM_001171930.2, NM_001171931.2, NM_001171932.2 and 1 more transcripts); short protein forms I186fs.
Identifiers: ClinVar variation 1404748 (VCV001404748.6), dbSNP rs2132358732, ClinGen allele CA2573145355.
Genomic context (GRCh38, chr10:71,566,867, plus strand): 5'-CAGCGTCCTCTACTCCTTCCAGCCCCCCTCCCAATTCTTCGCCATTGACAGCGCCCGCGG[TA>T]TCGTCACAGTGATCCGGGAGCTGGACTACGAGACCACACAGGCCTACCAGCTCACGGTCA-3'

ClinVar aggregate classification (germline): Pathogenic (1 of 4 stars; one submission).

Submission:

Labcorp Genetics (formerly Invitae), Labcorp
Classification: Pathogenic. Last evaluated: 2021-08-26. Review status: criteria provided, single submitter. Criteria: Invitae Variant Classification Sherloc (09022015). Collection method: clinical testing. Allele origin: germline.
Comment: This variant is not present in population databases (ExAC no frequency). For these reasons, this variant has been classified as Pathogenic. This variant has not been reported in the literature in individuals affected with CDH23-related conditions. This sequence change creates a premature translational stop signal (p.Ile186Serfs*4) in the CDH23 gene. It is expected to result in an absent or disrupted protein product. Loss-of-function variants in CDH23 are known to be pathogenic (PMID: 11138009, 21940737).

Literature cited by the submitters: PubMed 11138009; PubMed 21940737.